The following is an entry in ClinVar:

ClinVar aggregate classification (germline): Uncertain significance (1 of 4 stars; one submission).

gnomAD v4.1: 7 of 1,613,350 alleles (0.00043%); highest among the groups gnomAD compares: Non-Finnish European, 0.00042%; no homozygotes.

Submission:

Dasa
Classification: Uncertain significance. Last evaluated: 2025-05-02. Review status: criteria provided, single submitter. Criteria: DASA Assertion Criteria. Collection method: clinical testing. Allele origin: germline.
Comment: NM_001267550.2(TTN):c.1984G>A (p.Ala662Thr) is a missense variant that results in the substitution of alanine with threonine. This variant is rare in population databases. The currently available literature and clinical evidence are not sufficient to establish a definitive association between this variant and the reported condition. Therefore, this variant is classified as a variant of uncertain significance.

NM_001267550.2(TTN):c.1984G>A (p.Ala662Thr)

Gene: TTN (titin; minus strand). Cytogenetic location: 2q31.2.
Variant type: single nucleotide variant.
Coding change: c.1984G>A on transcript NM_001267550.2 (MANE Select); coding-DNA position 1984, G replaced by A.
Protein change: p.Ala662Thr; replaces alanine 662 with threonine.
Molecular consequence: missense variant.
Genome position (GRCh38, 1-based): chr2:178,789,452, C>T on the plus strand (G>A on the coding strand, the complement: TTN is on the minus strand). VCF-style: chr2-178789452-C-T. GRCh37 (hg19) VCF-style: chr2-179654179-C-T.
Other names: c.1984G>A, p.Ala662Thr (NM_001256850.1, NM_133378.4, NM_133379.5); c.1846G>A, p.Ala616Thr (NM_003319.4, NM_133432.3, NM_133437.4); short protein forms A616T, A662T.
Identifiers: ClinVar variation 4881964 (VCV004881964.2).
Genomic context (GRCh38, chr2:178,789,452, plus strand): 5'-TAGTAGCCATAGTTTCTCTAGTTCTCAGTATTGTTTCTTGTTCTTTGGCTTTAGCAGTAG[C>T]AACTGCTATTGTAGACAAGGCAGTTTTCTCGGCTTCCTTTCTCATCTGATTATTACAGTA-3'
Protein context (NP_001254479.2, residues 652-672): EKTALSTIAV[Ala662Thr]TAKAKEQETI